The following is an entry in ClinVar:

NM_032444.4(SLX4):c.2269A>G (p.Thr757Ala)

Gene: SLX4 (SLX4 structure-specific endonuclease subunit; minus strand). Cytogenetic location: 16p13.3.
Variant type: single nucleotide variant.
Coding change: c.2269A>G on transcript NM_032444.4 (MANE Select); coding-DNA position 2269, A replaced by G.
Protein change: p.Thr757Ala; replaces threonine 757 with alanine.
Molecular consequence: missense variant.
Genome position (GRCh38, 1-based): chr16:3,592,757, T>C on the plus strand (A>G on the coding strand, the complement: SLX4 is on the minus strand). VCF-style: chr16-3592757-T-C. GRCh37 (hg19) VCF-style: chr16-3642758-T-C.
Other names: short protein forms T757A.
Identifiers: ClinVar variation 1395245 (VCV001395245.6), dbSNP rs1567171612, ClinGen allele CA394524800.

ClinVar aggregate classification (germline): Uncertain significance. Review status: criteria provided, multiple submitters, no conflicts (2 of 4 stars). 2 submissions from 2 submitters: Uncertain significance (2). Last evaluated 2022-02-19.

Conditions:
Fanconi anemia (FA). Also called: Fanconi's anemia. Identifiers: Orphanet 84, MedGen C0015625, MeSH D005199, MONDO:0019391.
Fanconi anemia complementation group P. Also called: SLX4-Related Fanconi Anemia. Identifiers: Orphanet 84, MedGen C3469542, MONDO:0013499, OMIM 613951.

Allele frequency attached by ClinVar (database versions not stated): gnomAD exomes below 0.00001 and 0.00001; TOPMed below 0.00001; gnomAD 0.00001.
gnomAD v4.1: 6 of 1,613,152 alleles (0.00037%); highest among the groups gnomAD compares: African/African-American, 0.0027%; no homozygotes.

Submissions (2):

Labcorp Genetics (formerly Invitae), Labcorp
Classification: Uncertain significance for Fanconi anemia. Last evaluated: 2022-02-19. Review status: criteria provided, single submitter. Criteria: Invitae Variant Classification Sherloc (09022015). Collection method: clinical testing. Allele origin: germline.
Comment: This sequence change replaces threonine, which is neutral and polar, with alanine, which is neutral and non-polar, at codon 757 of the SLX4 protein (p.Thr757Ala). This variant is not present in population databases (gnomAD no frequency). This variant has not been reported in the literature in individuals affected with SLX4-related conditions. Algorithms developed to predict the effect of missense changes on protein structure and function output the following: SIFT: "Tolerated"; PolyPhen-2: "Benign"; Align-GVGD: "Class C0". The alanine amino acid residue is found in multiple mammalian species, which suggests that this missense change does not adversely affect protein function. In summary, the available evidence is currently insufficient to determine the role of this variant in disease. Therefore, it has been classified as a Variant of Uncertain Significance.

Fulgent Genetics
Classification: Uncertain significance for Fanconi anemia complementation group P. Last evaluated: 2021-12-15. Review status: criteria provided, single submitter. Criteria: ACMG Guidelines, 2015. Collection method: clinical testing. Allele origin: unknown.